The following is an entry in ClinVar:

ClinVar aggregate classification (germline): Pathogenic. Review status: criteria provided, single submitter (1 of 4 stars). 2 submissions from 2 submitters: Pathogenic (1). 1 of the submissions does not count toward it. Last evaluated 2025-07-24.

Conditions:
X-linked central congenital hypothyroidism with late-onset testicular enlargement. Also called: HYPOTHYROIDISM, CENTRAL, WITH TESTICULAR ENLARGEMENT; Hypothyroidism, central, and testicular enlargement. Identifiers: Orphanet 329235, MedGen C3550963, MONDO:0010475, OMIM 300888.

Allele frequency attached by ClinVar (database versions not stated): gnomAD exomes below 0.00001.
gnomAD v4.1: 1 of 1,207,692 alleles (0.000083%); highest among the groups gnomAD compares: Non-Finnish European, 0.00011%; no homozygotes.

Submissions (2):

GeneDx
Classification: Pathogenic. Last evaluated: 2025-07-24. Review status: criteria provided, single submitter. Criteria: GeneDx Variant Classification Process June 2021. Collection method: clinical testing. Allele origin: germline. Affected: yes.
Comment: Published functional studies suggest a damaging effect where p.(L773P) reduces glycosylation and trafficking of IGSF1 to the plasma membrane (PMID: 30086211); In silico analysis supports that this missense variant has a deleterious effect on protein structure/function; Not observed at significant frequency in large population cohorts (gnomAD); This variant is associated with the following publications: (PMID: 30086211)

OMIM
Classification: Pathogenic for HYPOTHYROIDISM, CENTRAL, WITH TESTICULAR ENLARGEMENT. Last evaluated: 2019-09-16. Review status: no assertion criteria provided. Collection method: literature only. Allele origin: germline. Not counted in ClinVar's aggregate classification.

Literature cited by the submitters: PubMed 30086211 (cited by OMIM).

NM_001555.5(IGSF1):c.2303T>C (p.Leu768Pro)

Gene: IGSF1 (immunoglobulin superfamily member 1; minus strand). Cytogenetic location: Xq26.1.
Variant type: single nucleotide variant.
Coding change: c.2303T>C on transcript NM_001555.5 (MANE Select); coding-DNA position 2303, T replaced by C.
Protein change: p.Leu768Pro; replaces leucine 768 with proline.
Molecular consequence: missense variant.
Genome position (GRCh38, 1-based): chrX:131,277,873, A>G on the plus strand (T>C on the coding strand, the complement: IGSF1 is on the minus strand). VCF-style: chrX-131277873-A-G. GRCh37 (hg19) VCF-style: chrX-130411847-A-G.
Other names: c.2318T>C, p.Leu773Pro (NM_001170961.2); c.2276T>C, p.Leu759Pro (NM_001170962.2); short protein forms L773P, L759P, L768P.
Identifiers: ClinVar variation 689655 (VCV000689655.2), dbSNP rs1603404413, ClinGen allele CA414563078.
Genomic context (GRCh38, chrX:131,277,873, plus strand): 5'-CTCCACCCTGCCCCCTTTCCTCCCACACCCTTTTCAGCTCTACCTTTTATGACAAGCTCC[A>G]GCGGCTCACTGGGCTCAGACCACTTGAAGGGGCGTTTTTCAGTGTGAGTGCGGCAGCTGT-3'
Protein context (NP_001546.2, residues 758-778): PFKWSEPSEP[Leu768Pro]ELVIKEMYPK